The following is an entry in ClinVar:

NM_057176.3(BSND):c.-5C>A

Gene: BSND (barttin CLCNK type accessory subunit beta; plus strand). Cytogenetic location: 1p32.3.
Variant type: single nucleotide variant.
Coding change: c.-5C>A on transcript NM_057176.3 (MANE Select); 5 bases upstream of the start codon, C replaced by A.
Molecular consequence: 5 prime UTR variant.
Genome position (GRCh38, 1-based): chr1:54,999,182, C>A. VCF-style: chr1-54999182-C-A. GRCh37 (hg19) VCF-style: chr1-55464855-C-A.
Identifiers: ClinVar variation 3572478 (VCV003572478.3).

ClinVar aggregate classification (germline): Conflicting classifications of pathogenicity. Review status: criteria provided, conflicting classifications (1 of 4 stars). 2 submissions from 2 submitters: Uncertain significance (1); Likely benign (1). Last evaluated 2025-01-13.

Submissions (2):

GeneDx
Classification: Likely benign. Last evaluated: 2025-01-13. Review status: criteria provided, single submitter. Criteria: GeneDx Variant Classification Process June 2021. Collection method: clinical testing. Allele origin: germline.
Comment: See Variant Classification Assertion Criteria.

Blueprint Genetics
Classification: Uncertain significance. Last evaluated: 2024-09-13. Review status: criteria provided, single submitter. Criteria: ACMG Guidelines, 2015. Collection method: clinical testing. Allele origin: germline.